The following is an entry in ClinVar:

NM_003803.4(MYOM1):c.5001G>A (p.Glu1667=)

Gene: MYOM1 (myomesin 1; minus strand). Cytogenetic location: 18p11.31.
Variant type: single nucleotide variant.
Coding change: c.5001G>A on transcript NM_003803.4 (MANE Select); coding-DNA position 5001, G replaced by A.
Protein change: p.Glu1667=; no amino-acid change (glutamic acid 1667 retained).
Molecular consequence: synonymous variant.
Genome position (GRCh38, 1-based): chr18:3,067,319, C>T on the plus strand (G>A on the coding strand, the complement: MYOM1 is on the minus strand). VCF-style: chr18-3067319-C-T. GRCh37 (hg19) VCF-style: chr18-3067317-C-T.
Other names: c.4713G>A, p.Glu1571= (NM_019856.2).
Identifiers: ClinVar variation 227705 (VCV000227705.22), dbSNP rs376007739, ClinGen allele CA8873700.

ClinVar aggregate classification (germline): Likely benign. Review status: criteria provided, multiple submitters, no conflicts (2 of 4 stars). 4 submissions from 4 submitters: Likely benign (3). 1 of the submissions does not count toward it. Last evaluated 2026-01-27.

Conditions:
MYOM1-related disorder.
Hypertrophic cardiomyopathy. Also called: HYPERTROPHIC MYOCARDIOPATHY. Identifiers: Orphanet 217569, MedGen C0007194, MeSH D002312, MONDO:0005045, HP:0001639.

Allele frequency attached by ClinVar (database versions not stated): gnomAD exomes 0.00054; gnomAD 0.00063 and 0.00064; ExAC 0.00048; TOPMed 0.00053; ESP Exome Variant Server 0.00054.
gnomAD v4.1: 1,521 of 1,611,834 alleles (0.094%); highest among the groups gnomAD compares: Non-Finnish European, 0.12%; 1 homozygote.

Submissions (4):

Labcorp Genetics (formerly Invitae), Labcorp
Classification: Likely benign for Hypertrophic cardiomyopathy. Last evaluated: 2026-01-27. Review status: criteria provided, single submitter. Criteria: Invitae Variant Classification Sherloc (09022015). Collection method: clinical testing. Allele origin: germline.

Ambry Genetics
Classification: Likely benign. Last evaluated: 2022-05-24. Review status: criteria provided, single submitter. Criteria: Ambry Variant Classification Scheme 2023. Collection method: clinical testing. Allele origin: germline.

Laboratory for Molecular Medicine, Mass General Brigham Personalized Medicine
Classification: Likely benign. Last evaluated: 2014-11-24. Review status: criteria provided, single submitter. Criteria: LMM Criteria. Collection method: clinical testing. Allele origin: germline. Observed: 1 variant allele.
Comment: Glu1667Glu in exon 38 of MYOM1: This variant is not expected to have clinical si gnificance because it does not alter an amino acid residue and is not located wi thin the splice consensus sequence. It has been identified in 0.1% (5/8600) of E uropean American chromosomes from a broad population by the NHLBI Exome Sequenci ng Project.

PreventionGenetics, part of Exact Sciences
Classification: Likely benign for MYOM1-related condition. Last evaluated: 2019-07-22. Review status: no assertion criteria provided. Collection method: clinical testing. Allele origin: germline. Not counted in ClinVar's aggregate classification.
Comment: This variant is classified as likely benign based on ACMG/AMP sequence variant interpretation guidelines (Richards et al. 2015 PMID: 25741868, with internal and published modifications).